The following is an entry in ClinVar:

NM_025114.4(CEP290):c.4471G>A (p.Ala1491Thr)

Gene: CEP290 (centrosomal protein 290; minus strand). Cytogenetic location: 12q21.32.
Variant type: single nucleotide variant.
Coding change: c.4471G>A on transcript NM_025114.4 (MANE Select); coding-DNA position 4471, G replaced by A.
Protein change: p.Ala1491Thr; replaces alanine 1491 with threonine.
Molecular consequence: missense variant.
Genome position (GRCh38, 1-based): chr12:88,084,819, C>T on the plus strand (G>A on the coding strand, the complement: CEP290 is on the minus strand). VCF-style: chr12-88084819-C-T. GRCh37 (hg19) VCF-style: chr12-88478596-C-T.
Other names: short protein forms A1491T.
Identifiers: ClinVar variation 1346878 (VCV001346878.6), dbSNP rs771133112, ClinGen allele CA6711926.

ClinVar aggregate classification (germline): Uncertain significance. Review status: criteria provided, multiple submitters, no conflicts (2 of 4 stars). 2 submissions from 2 submitters: Uncertain significance (2). Last evaluated 2021-12-07.

Conditions:
Joubert syndrome. Also called: Familial aplasia of the vermis; JOUBERT-BOLTSHAUSER SYNDROME. Identifiers: Orphanet 475, MedGen C5979921, MONDO:0018772.
Meckel-Gruber syndrome. Also called: GRUBER SYNDROME; Dysencephalia splachnocystica; DYSENCEPHALIA SPLANCHNOCYSTICA. Identifiers: Orphanet 564, MedGen C0265215, MONDO:0018921.
Nephronophthisis. Also called: Juvenile Nephronophthisis. Identifiers: Orphanet 655, MedGen C0687120, MONDO:0019005, HP:0000090.

Allele frequency attached by ClinVar (database versions not stated): gnomAD exomes below 0.00001; ExAC 0.00001; gnomAD 0.00001.
gnomAD v4.1: 2 of 1,600,402 alleles (0.00012%); highest among the groups gnomAD compares: Admixed American, 0.0035%; no homozygotes.

Submissions (2):

Blueprint Genetics
Classification: Uncertain significance. Last evaluated: 2021-12-07. Review status: criteria provided, single submitter. Criteria: ACMG Guidelines, 2015. Collection method: clinical testing. Allele origin: germline.

Labcorp Genetics (formerly Invitae), Labcorp
Classification: Uncertain significance for Joubert syndrome; Meckel-Gruber syndrome; Nephronophthisis. Last evaluated: 2021-09-01. Review status: criteria provided, single submitter. Criteria: Invitae Variant Classification Sherloc (09022015). Collection method: clinical testing. Allele origin: germline.
Comment: This sequence change replaces alanine with threonine at codon 1491 of the CEP290 protein (p.Ala1491Thr). The alanine residue is highly conserved and there is a small physicochemical difference between alanine and threonine. This variant is present in population databases (rs771133112, ExAC 0.01%). This variant has not been reported in the literature in individuals affected with CEP290-related conditions. Algorithms developed to predict the effect of missense changes on protein structure and function are either unavailable or do not agree on the potential impact of this missense change (SIFT: "Tolerated"; PolyPhen-2: "Possibly Damaging"; Align-GVGD: "Class C0"). In summary, the available evidence is currently insufficient to determine the role of this variant in disease. Therefore, it has been classified as a Variant of Uncertain Significance.